The following is an entry in ClinVar:

ClinVar aggregate classification (germline): Pathogenic. Review status: criteria provided, multiple submitters, no conflicts (2 of 4 stars). 2 submissions from 2 submitters: Pathogenic (2). Last evaluated 2024-01-09.

Conditions:
Familial adenomatous polyposis 1 (FAP1). Also called: POLYPOSIS, ADENOMATOUS INTESTINAL; FAMILIAL ADENOMATOUS POLYPOSIS 1, ATTENUATED. Identifiers: MedGen C2713442, MONDO:0021056, OMIM 175100. Disease mechanism: loss of function.

Submissions (2):

Myriad Genetics, Inc.
Classification: Pathogenic for Familial adenomatous polyposis 1. Last evaluated: 2024-01-09. Review status: criteria provided, single submitter. Criteria: Myriad Autosomal Dominant, Autosomal Recessive and X-Linked Classification Criteria (2023). Collection method: clinical testing. Allele origin: unknown.
Comment: This variant is considered pathogenic. This variant creates a termination codon and is predicted to result in premature protein truncation.

Labcorp Genetics (formerly Invitae), Labcorp
Classification: Pathogenic for Familial adenomatous polyposis 1. Last evaluated: 2018-07-05. Review status: criteria provided, single submitter. Criteria: Invitae Variant Classification Sherloc (09022015). Collection method: clinical testing. Allele origin: germline.
Comment: This sequence change results in a premature translational stop signal in the APC gene (p.Gln2500*). While this is not anticipated to result in nonsense mediated decay, it is expected to delete the last 344 amino acids of the APC protein. This variant is not present in population databases (ExAC no frequency). This variant has not been reported in the literature in individuals with APC-related disease. This variant is expected to disrupt the EB1 and HDLG binding sites, which mediate interactions with the cytoskeleton (PMID: 15311282, 17293347).Â¬â€ While functional studies have not been performed to directly test the effect on APC protein function, this suggests that disruption of the C-terminal portion of the protein is functionally important. A different truncation, c.7932_7935del (p.Tyr2645Lysfs*14), that lies downstream of this variant has been determined to be pathogenicÂ¬â€ (PMID: 9824584, 1316610, 27081525, 8381579, 22135120, Invitae). For these reasons, this variant has been classified as Pathogenic.

Literature cited by the submitters: PubMed 9824584 (cited by Labcorp Genetics (formerly Invitae), Labcorp); PubMed 22135120 (cited by Labcorp Genetics (formerly Invitae), Labcorp); PubMed 27081525 (cited by Labcorp Genetics (formerly Invitae), Labcorp); PubMed 17293347 (cited by Labcorp Genetics (formerly Invitae), Labcorp); PubMed 1316610 (cited by Labcorp Genetics (formerly Invitae), Labcorp); PubMed 8381579 (cited by Labcorp Genetics (formerly Invitae), Labcorp); PubMed 15311282 (cited by Labcorp Genetics (formerly Invitae), Labcorp).

NM_000038.6(APC):c.7498C>T (p.Gln2500Ter)

Gene: APC (APC regulator of Wnt signaling pathway; plus strand). Cytogenetic location: 5q22.2.
Variant type: single nucleotide variant.
Coding change: c.7498C>T on transcript NM_000038.6 (MANE Select); coding-DNA position 7498, C replaced by T.
Protein change: p.Gln2500Ter; replaces glutamine 2500 with a stop codon.
Molecular consequence: nonsense.
Genome position (GRCh38, 1-based): chr5:112,843,092, C>T. VCF-style: chr5-112843092-C-T. GRCh37 (hg19) VCF-style: chr5-112178789-C-T.
Other names: c.7498C>T, p.Gln2500Ter (NM_001127510.3, NM_001354895.2); c.7444C>T, p.Gln2482Ter (NM_001127511.3); c.7552C>T, p.Gln2518Ter (NM_001354896.2); c.7528C>T, p.Gln2510Ter (NM_001354897.2); c.7423C>T, p.Gln2475Ter (NM_001354898.2); c.7414C>T, p.Gln2472Ter (NM_001354899.2); c.7375C>T, p.Gln2459Ter (NM_001354900.2); c.7321C>T, p.Gln2441Ter (NM_001354901.2); and 5 more; short protein forms Q2500*, Q2482*, Q2374*, Q2475*, Q2340*, Q2409*, Q2217*, Q2472*.
Identifiers: ClinVar variation 572005 (VCV000572005.3), dbSNP rs372535376, ClinGen allele CA16037637.